The following is an entry in ClinVar:

ClinVar aggregate classification (germline): Uncertain significance. Review status: criteria provided, multiple submitters, no conflicts (2 of 4 stars). 2 submissions from 2 submitters: Uncertain significance (2). Last evaluated 2023-02-24.

Conditions:
Olmsted syndrome, X-linked (OLMSX). Also called: Palmoplantar keratoderma, mutilating, with periorificial keratotic plaques, X-linked. Identifiers: Orphanet 659, MedGen C3806745, MONDO:0010486, OMIM 300918.

Allele frequency attached by ClinVar (database versions not stated): ExAC 0.00001; gnomAD exomes 0.00001; TOPMed 0.00001; gnomAD 0.00002; ESP Exome Variant Server 0.00009.
gnomAD v4.1: 8 of 1,207,451 alleles (0.00066%); highest among the groups gnomAD compares: African/African-American, 0.0035%; no homozygotes.

Submissions (2):

Labcorp Genetics (formerly Invitae), Labcorp
Classification: Uncertain significance. Last evaluated: 2023-02-24. Review status: criteria provided, single submitter. Criteria: Invitae Variant Classification Sherloc (09022015). Collection method: clinical testing. Allele origin: germline.
Comment: This sequence change replaces glycine, which is neutral and non-polar, with arginine, which is basic and polar, at codon 42 of the MBTPS2 protein (p.Gly42Arg). This variant is present in population databases (rs375900835, gnomAD 0.02%). This variant has not been reported in the literature in individuals affected with MBTPS2-related conditions. ClinVar contains an entry for this variant (Variation ID: 1029415). Advanced modeling of protein sequence and biophysical properties (such as structural, functional, and spatial information, amino acid conservation, physicochemical variation, residue mobility, and thermodynamic stability) has been performed at Invitae for this missense variant, however the output from this modeling did not meet the statistical confidence thresholds required to predict the impact of this variant on MBTPS2 protein function. In summary, the available evidence is currently insufficient to determine the role of this variant in disease. Therefore, it has been classified as a Variant of Uncertain Significance.

Baylor Genetics
Classification: Uncertain significance for Olmsted syndrome, X-linked. Last evaluated: 2020-02-16. Review status: criteria provided, single submitter. Criteria: ACMG Guidelines, 2015. Collection method: clinical testing. Allele origin: unknown. Affected: yes.
Comment: This variant was determined to be of uncertain significance according to ACMG Guidelines, 2015 [PMID:25741868].

NM_015884.4(MBTPS2):c.124G>A (p.Gly42Arg)

Gene: MBTPS2 (membrane bound transcription factor peptidase, site 2; plus strand). Cytogenetic location: Xp22.12.
Variant type: single nucleotide variant.
Coding change: c.124G>A on transcript NM_015884.4 (MANE Select); coding-DNA position 124, G replaced by A.
Protein change: p.Gly42Arg; replaces glycine 42 with arginine.
Molecular consequence: missense variant.
Genome position (GRCh38, 1-based): chrX:21,843,218, G>A. VCF-style: chrX-21843218-G-A. GRCh37 (hg19) VCF-style: chrX-21861336-G-A.
Other names: short protein forms G42R.
Identifiers: ClinVar variation 1029415 (VCV001029415.2), dbSNP rs375900835, ClinGen allele CA10367294.